The following is an entry in ClinVar:

NM_017780.4(CHD7):c.3990-10T>A

Gene: CHD7 (chromodomain helicase DNA binding protein 7; plus strand). Cytogenetic location: 8q12.2.
Variant type: single nucleotide variant.
Coding change: c.3990-10T>A on transcript NM_017780.4 (MANE Select); 10 bases into the intron before coding-DNA position 3990, T replaced by A.
Molecular consequence: intron variant.
Genome position (GRCh38, 1-based): chr8:60,836,807, T>A. VCF-style: chr8-60836807-T-A. GRCh37 (hg19) VCF-style: chr8-61749366-T-A.
Other names: c.1717-25422T>A (NM_001316690.1).
Identifiers: ClinVar variation 2911781 (VCV002911781.4), dbSNP rs1403502176, ClinGen allele CA582403509.

ClinVar aggregate classification (germline): Uncertain significance. Review status: criteria provided, multiple submitters, no conflicts (2 of 4 stars). 2 submissions from 2 submitters: Uncertain significance (2). Last evaluated 2023-12-07.

Conditions:
CHARGE syndrome (CHARGE). Also called: Hittner Hirsch Kreh syndrome; CHARGE ASSOCIATION--COLOBOMA, HEART ANOMALY, CHOANAL ATRESIA, RETARDATION, GENITAL AND EAR ANOMALIES; Coloboma, heart anomaly, choanal atresia, retardation, genital and ear anomalies; CHARGE association; Hall-Hittner syndrome. Identifiers: Orphanet 138, MedGen C0265354, MONDO:0008965.

Allele frequency attached by ClinVar (database versions not stated): gnomAD exomes below 0.00001; TOPMed 0.00001.
gnomAD v4.1: 1 of 1,611,978 alleles (0.000062%); highest among the groups gnomAD compares: Admixed American, 0.0017%; no homozygotes.

Submissions (2):

GeneDx
Classification: Uncertain significance. Last evaluated: 2023-12-07. Review status: criteria provided, single submitter. Criteria: GeneDx Variant Classification Process June 2021. Collection method: clinical testing. Allele origin: germline. Affected: yes.
Comment: Not observed at significant frequency in large population cohorts (gnomAD); In silico analysis supports a deleterious effect on splicing; Has not been previously published as pathogenic or benign to our knowledge

Labcorp Genetics (formerly Invitae), Labcorp
Classification: Uncertain significance for CHARGE syndrome. Last evaluated: 2023-07-29. Review status: criteria provided, single submitter. Criteria: Invitae Variant Classification Sherloc (09022015). Collection method: clinical testing. Allele origin: germline.
Comment: In summary, the available evidence is currently insufficient to determine the role of this variant in disease. Therefore, it has been classified as a Variant of Uncertain Significance. Algorithms developed to predict the effect of sequence changes on RNA splicing suggest that this variant may disrupt the consensus splice site. This variant has not been reported in the literature in individuals affected with CHD7-related conditions. This variant is present in population databases (no rsID available, gnomAD 0.003%). This sequence change falls in intron 16 of the CHD7 gene. It does not directly change the encoded amino acid sequence of the CHD7 protein.